The following is an entry in ClinVar:

ClinVar aggregate classification (germline): Uncertain significance (1 of 4 stars; one submission).

Allele frequency attached by ClinVar (database versions not stated): TOPMed below 0.00001; gnomAD exomes 0.00001.
gnomAD v4.1: 28 of 1,473,664 alleles (0.0019%); highest among the groups gnomAD compares: South Asian, 0.0028%; no homozygotes.

Submission:

Labcorp Genetics (formerly Invitae), Labcorp
Classification: Uncertain significance. Last evaluated: 2025-10-21. Review status: criteria provided, single submitter. Criteria: Invitae Variant Classification Sherloc (09022015). Collection method: clinical testing. Allele origin: germline.
Comment: This sequence change replaces proline, which is neutral and non-polar, with arginine, which is basic and polar, at codon 405 of the RIMS1 protein (p.Pro405Arg). The frequency data for this variant in the population databases is considered unreliable, as metrics indicate poor data quality at this position in the gnomAD database. This variant has not been reported in the literature in individuals affected with RIMS1-related conditions. ClinVar contains an entry for this variant (Variation ID: 957794). An algorithm developed to predict the effect of missense changes on protein structure and function (PolyPhen-2) suggests that this variant is likely to be disruptive. In summary, the available evidence is currently insufficient to determine the role of this variant in disease. Therefore, it has been classified as a Variant of Uncertain Significance.

NM_014989.7(RIMS1):c.1214C>G (p.Pro405Arg)

Gene: RIMS1 (regulating synaptic membrane exocytosis 1; plus strand). Cytogenetic location: 6q13.
Variant type: single nucleotide variant.
Coding change: c.1214C>G on transcript NM_014989.7 (MANE Select); coding-DNA position 1214, C replaced by G.
Protein change: p.Pro405Arg; replaces proline 405 with arginine.
Molecular consequence: missense variant.
Genome position (GRCh38, 1-based): chr6:72,182,685, C>G. VCF-style: chr6-72182685-C-G. GRCh37 (hg19) VCF-style: chr6-72892388-C-G.
Other names: short protein forms P405R.
Identifiers: ClinVar variation 957794 (VCV000957794.7), dbSNP rs1405075703, ClinGen allele CA364820496.
Genomic context (GRCh38, chr6:72,182,685, plus strand): 5'-GGCACGAGCGGCGCCACAGCGACGTGGCGCTCCCGCGCACCGAGGCGGGCGCGGCGCTGC[C>G]GGAGGGCAAGGCCGGCAAACGCGCGCCGGCGGCAGCCAGGGCCTCGCCGCCGGACTCGCC-3'
Protein context (NP_055804.2, residues 395-415): LPRTEAGAAL[Pro405Arg]EGKAGKRAPA